The following is an entry in ClinVar:

NM_001287.6(CLCN7):c.2213C>G (p.Ser738Cys)

Gene: CLCN7 (Cl-/H+ antiporter 7; minus strand). Cytogenetic location: 16p13.3.
Variant type: single nucleotide variant.
Coding change: c.2213C>G on transcript NM_001287.6 (MANE Select); coding-DNA position 2213, C replaced by G.
Protein change: p.Ser738Cys; replaces serine 738 with cysteine.
Molecular consequence: missense variant.
Genome position (GRCh38, 1-based): chr16:1,447,429, G>C on the plus strand (C>G on the coding strand, the complement: CLCN7 is on the minus strand). VCF-style: chr16-1447429-G-C. GRCh37 (hg19) VCF-style: chr16-1497430-G-C.
Other names: c.2141C>G, p.Ser714Cys (NM_001114331.3); short protein forms S714C, S738C.
Identifiers: ClinVar variation 4778835 (VCV004778835.1).
Genomic context (GRCh38, chr16:1,447,429, plus strand): 5'-CCATGCCCATGCCCTGCACATGCCTGGGGCACCGTGTAGGGGGAGGGGTTCATGAACTCG[G>C]AGAGGTCCATGGTGCACTCCCGCTCGTCCTGGGACACGTGGATGGACTGGATGGGTGGGA-3'
Protein context (NP_001278.1, residues 728-748): QDERECTMDL[Ser738Cys]EFMNPSPYTV

ClinVar aggregate classification (germline): Uncertain significance (1 of 4 stars; one submission).

gnomAD v4.1: 1 of 1,551,898 alleles (0.000064%); highest among the groups gnomAD compares: East Asian, 0.0024%; no homozygotes.

Submission:

Labcorp Genetics (formerly Invitae), Labcorp
Classification: Uncertain significance. Last evaluated: 2025-08-06. Review status: criteria provided, single submitter. Criteria: Invitae Variant Classification Sherloc (09022015). Collection method: clinical testing. Allele origin: germline.
Comment: This sequence change replaces serine, which is neutral and polar, with cysteine, which is neutral and slightly polar, at codon 738 of the CLCN7 protein (p.Ser738Cys). This variant is present in population databases (no rsID available, gnomAD 0.01%). This variant has not been reported in the literature in individuals affected with CLCN7-related conditions. An algorithm developed to predict the effect of missense changes on protein structure and function (PolyPhen-2) suggests that this variant is likely to be disruptive. In summary, the available evidence is currently insufficient to determine the role of this variant in disease. Therefore, it has been classified as a Variant of Uncertain Significance.